The following is an entry in ClinVar:

ClinVar aggregate classification (germline): Conflicting classifications of pathogenicity. Review status: criteria provided, conflicting classifications (1 of 4 stars). 2 submissions from 2 submitters: Uncertain significance (1); Likely benign (1). Last evaluated 2024-10-30.

Conditions:
Inborn genetic diseases. Identifiers: MedGen C0950123, MeSH D030342.
Neuropathy, hereditary sensory, type 2C. Also called: KIF1A-Related HSAN2 (HSAN2C); Hereditary sensory and autonomic neuropathy type IIC. Identifiers: Orphanet 970, MedGen C3280168, MONDO:0013634, OMIM 614213.
Intellectual disability, autosomal dominant 9 (NESCAVS). Also called: NESCAV SYNDROME; KIF1A-Related Neurodevelopmental Disorder. Identifiers: Orphanet 662367, MedGen C5393830, MONDO:0013656, OMIM 614255.
Hereditary spastic paraplegia 30. Identifiers: Orphanet 101010, MedGen C5235139, MONDO:0012476.

Allele frequency attached by ClinVar (database versions not stated): gnomAD exomes 0.00001; ExAC 0.00002; gnomAD 0.00002 and 0.00003; TOPMed 0.00003.
gnomAD v4.1: 38 of 1,611,014 alleles (0.0024%); highest among the groups gnomAD compares: Non-Finnish European, 0.0031%; no homozygotes.

Submissions (2):

Labcorp Genetics (formerly Invitae), Labcorp
Classification: Likely benign for Hereditary spastic paraplegia 30; Neuropathy, hereditary sensory, type 2C; Intellectual disability, autosomal dominant 9. Last evaluated: 2024-10-30. Review status: criteria provided, single submitter. Criteria: Invitae Variant Classification Sherloc (09022015). Collection method: clinical testing. Allele origin: germline.

Ambry Genetics
Classification: Uncertain significance for Inborn genetic diseases. Last evaluated: 2021-10-01. Review status: criteria provided, single submitter. Criteria: Ambry General Variant Classification Scheme_2022. Collection method: clinical testing. Allele origin: germline. Observed: 1 variant allele.
Comment: The c.5031-4G>A intronic alteration consists of a G to A substitution 4 nucleotides before coding exon 46 in the KIF1A gene. Based on insufficient or conflicting evidence, the clinical significance of this alteration remains unclear.

NM_001244008.2(KIF1A):c.5334-4G>A

Gene: KIF1A (kinesin family member 1A; minus strand). Cytogenetic location: 2q37.3.
Variant type: single nucleotide variant.
Coding change: c.5334-4G>A on transcript NM_001244008.2 (MANE Select); 4 bases into the intron before coding-DNA position 5334, G replaced by A.
Molecular consequence: intron variant.
Genome position (GRCh38, 1-based): chr2:240,717,410, C>T on the plus strand (G>A on the coding strand, the complement: KIF1A is on the minus strand). VCF-style: chr2-240717410-C-T. GRCh37 (hg19) VCF-style: chr2-241656827-C-T.
Other names: c.5031-4G>A (NM_001379653.1, NM_001379650.1, NM_004321.8 and 2 more transcripts); c.5307-4G>A (NM_001379645.1, NM_001379633.1); c.5157-4G>A (NM_001379635.1, NM_001379646.1); c.5028-4G>A (NM_001379640.1); c.4995-4G>A (NM_001379641.1); c.5055-4G>A (NM_001379639.1); c.5058-4G>A (NM_001379649.1, NM_001320705.2); c.5145-4G>A (NM_001379636.1); and 8 more.
Identifiers: ClinVar variation 532900 (VCV000532900.9), dbSNP rs758806789, ClinGen allele CA2207090.